The following is an entry in ClinVar:

NM_000701.8(ATP1A1):c.145G>C (p.Asp49His)

Gene: ATP1A1 (ATPase Na+/K+ transporting subunit alpha 1; plus strand). Cytogenetic location: 1p13.1.
Variant type: single nucleotide variant.
Coding change: c.145G>C on transcript NM_000701.8 (MANE Select); coding-DNA position 145, G replaced by C.
Protein change: p.Asp49His; replaces aspartic acid 49 with histidine.
Molecular consequence: missense variant.
Genome position (GRCh38, 1-based): chr1:116,384,804, G>C. VCF-style: chr1-116384804-G-C. GRCh37 (hg19) VCF-style: chr1-116927426-G-C.
Other names: c.145G>C, p.Asp49His (NM_001160233.2); c.52G>C, p.Asp18His (NM_001160234.2); short protein forms D18H, D49H.
Identifiers: ClinVar variation 2718133 (VCV002718133.3), dbSNP rs778261406, ClinGen allele CA1025030.

ClinVar aggregate classification (germline): Uncertain significance (1 of 4 stars; one submission).

Allele frequency attached by ClinVar (database versions not stated): gnomAD exomes 0.00001; ExAC 0.00002.
gnomAD v4.1: 3 of 1,613,066 alleles (0.00019%); highest among the groups gnomAD compares: Non-Finnish European, 0.00025%; no homozygotes.

Submission:

Labcorp Genetics (formerly Invitae), Labcorp
Classification: Uncertain significance. Last evaluated: 2023-06-17. Review status: criteria provided, single submitter. Criteria: Invitae Variant Classification Sherloc (09022015). Collection method: clinical testing. Allele origin: germline.
Comment: This sequence change replaces aspartic acid, which is acidic and polar, with histidine, which is basic and polar, at codon 49 of the ATP1A1 protein (p.Asp49His). This variant is present in population databases (rs778261406, gnomAD 0.003%). This variant has not been reported in the literature in individuals affected with ATP1A1-related conditions. Advanced modeling of protein sequence and biophysical properties (such as structural, functional, and spatial information, amino acid conservation, physicochemical variation, residue mobility, and thermodynamic stability) performed at Invitae indicates that this missense variant is not expected to disrupt ATP1A1 protein function. In summary, the available evidence is currently insufficient to determine the role of this variant in disease. Therefore, it has been classified as a Variant of Uncertain Significance.